The following is an entry in ClinVar:

ClinVar aggregate classification (germline): Uncertain significance (1 of 4 stars; one submission).

Allele frequency attached by ClinVar (database versions not stated): gnomAD 0.00001.
gnomAD v4.1: 2 of 1,611,054 alleles (0.00012%); highest among the groups gnomAD compares: Admixed American, 0.0033%; no homozygotes.

Submission:

Labcorp Genetics (formerly Invitae), Labcorp
Classification: Uncertain significance. Last evaluated: 2022-10-05. Review status: criteria provided, single submitter. Criteria: Invitae Variant Classification Sherloc (09022015). Collection method: clinical testing. Allele origin: germline.
Comment: This sequence change falls in intron 4 of the USH2A gene. It does not directly change the encoded amino acid sequence of the USH2A protein. This variant is not present in population databases (gnomAD no frequency). This variant has not been reported in the literature in individuals affected with USH2A-related conditions. Algorithms developed to predict the effect of sequence changes on RNA splicing suggest that this variant may disrupt the consensus splice site. In summary, the available evidence is currently insufficient to determine the role of this variant in disease. Therefore, it has been classified as a Variant of Uncertain Significance.

NM_206933.4(USH2A):c.785-15T>G

Gene: USH2A (usherin; minus strand). Cytogenetic location: 1q41.
Variant type: single nucleotide variant.
Coding change: c.785-15T>G on transcript NM_206933.4 (MANE Select); 15 bases into the intron before coding-DNA position 785, T replaced by G.
Molecular consequence: intron variant.
Genome position (GRCh38, 1-based): chr1:216,327,669, A>C on the plus strand (T>G on the coding strand, the complement: USH2A is on the minus strand). VCF-style: chr1-216327669-A-C. GRCh37 (hg19) VCF-style: chr1-216501011-A-C.
Other names: c.785-15T>G (NM_007123.6).
Identifiers: ClinVar variation 1923704 (VCV001923704.2), dbSNP rs941996105, ClinGen allele CA37899319.